The following is an entry in ClinVar:

NM_001379500.1(COL18A1):c.107-11448C>T

Gene: COL18A1 (collagen type XVIII alpha 1 chain; plus strand). Cytogenetic location: 21q22.3.
Variant type: single nucleotide variant.
Coding change: c.107-11448C>T on transcript NM_001379500.1 (MANE Select); 11448 bases into the intron before coding-DNA position 107, C replaced by T.
Molecular consequence: intron variant. On other transcripts: missense variant (1).
Genome position (GRCh38, 1-based): chr21:45,456,794, C>T. VCF-style: chr21-45456794-C-T. GRCh37 (hg19) VCF-style: chr21-46876708-C-T.
Other names: c.1264C>T, p.Arg422Cys (NM_130444.3); c.646+618C>T (NM_030582.4); short protein forms R422C.
Identifiers: ClinVar variation 4873330 (VCV004873330.2).

ClinVar aggregate classification (germline): Likely benign (1 of 4 stars; one submission).

gnomAD v4.1: 177 of 1,540,358 alleles (0.011%); highest among the groups gnomAD compares: South Asian, 0.041%; 1 homozygote.

Submission:

CeGaT Center for Human Genetics Tuebingen
Classification: Likely benign. Last evaluated: 2026-05-01. Review status: criteria provided, single submitter. Criteria: CeGaT Center For Human Genetics Tuebingen Variant Classification Criteria Version 2. Collection method: clinical testing. Allele origin: germline. Affected: yes. Observed: 1 variant allele.
Comment: COL18A1: BP4